The following is an entry in ClinVar:

NM_001103.4(ACTN2):c.*1040G>A

Gene: ACTN2 (actinin alpha 2; plus strand). Cytogenetic location: 1q43.
Variant type: single nucleotide variant.
Coding change: c.*1040G>A on transcript NM_001103.4 (MANE Select); 1040 bases downstream of the stop codon, G replaced by A.
Molecular consequence: 3 prime UTR variant.
Genome position (GRCh38, 1-based): chr1:236,763,659, G>A. VCF-style: chr1-236763659-G-A. GRCh37 (hg19) VCF-style: chr1-236926959-G-A.
Other names: c.*1040G>A (NM_001278343.2, NM_001278344.2).
Identifiers: ClinVar variation 296524 (VCV000296524.5), dbSNP rs190412319, ClinGen allele CA10609445.

ClinVar aggregate classification (germline): Likely benign (1 of 4 stars; one submission).

Conditions:
Dilated cardiomyopathy 1AA (CMD1AA). Also called: CARDIOMYOPATHY, DILATED, 1AA, WITH OR WITHOUT LEFT VENTRICULAR NONCOMPACTION; CARDIOMYOPATHY, FAMILIAL HYPERTROPHIC, 23, WITH OR WITHOUT LEFT VENTRICULAR NONCOMPACTION; Cardiomyopathy, dilated, 1AA, with or without LVNC. Identifiers: Orphanet 154, MedGen C2677338, MONDO:0012808, OMIM 612158.

Allele frequency attached by ClinVar (database versions not stated): 1000 Genomes Project 0.00160; gnomAD 0.00160 and 0.00167; 1000 Genomes Project 30x 0.00219; TOPMed 0.00230.

Submission:

Illumina Laboratory Services, Illumina
Classification: Likely benign for Dilated cardiomyopathy 1AA. Last evaluated: 2018-01-12. Review status: criteria provided, single submitter. Criteria: ICSL Variant Classification Criteria 13 December 2019. Collection method: clinical testing. Allele origin: germline.
Comment: This variant was observed in the ICSL laboratory as part of a predisposition screen in an ostensibly healthy population. It had not been previously curated by ICSL or reported in the Human Gene Mutation Database (HGMD: prior to June 1st, 2018), and was therefore a candidate for classification through an automated scoring system. Utilizing variant allele frequency, disease prevalence and penetrance estimates, and inheritance mode, an automated score was calculated to assess if this variant is too frequent to cause the disease. Based on the score and internal cut-off values, a variant classified as likely benign is not then subjected to further curation. The score for this variant resulted in a classification of likely benign for this disease.